The following is an entry in ClinVar:

NM_019842.4(KCNQ5):c.2197G>A (p.Ala733Thr)

Gene: KCNQ5 (potassium voltage-gated channel subfamily Q member 5; plus strand). Cytogenetic location: 6q13.
Variant type: single nucleotide variant.
Coding change: c.2197G>A on transcript NM_019842.4 (MANE Select); coding-DNA position 2197, G replaced by A.
Protein change: p.Ala733Thr; replaces alanine 733 with threonine.
Molecular consequence: missense variant.
Genome position (GRCh38, 1-based): chr6:73,194,812, G>A. VCF-style: chr6-73194812-G-A. GRCh37 (hg19) VCF-style: chr6-73904535-G-A.
Other names: c.2170G>A, p.Ala724Thr (NM_001160130.2); c.2227G>A, p.Ala743Thr (NM_001160132.2); c.2254G>A, p.Ala752Thr (NM_001160133.2); c.1867G>A, p.Ala623Thr (NM_001160134.2); short protein forms A733T, A752T, A623T, A724T, A743T.
Identifiers: ClinVar variation 2822021 (VCV002822021.3), dbSNP rs2533931246, ClinGen allele CA364695457.

ClinVar aggregate classification (germline): Uncertain significance (1 of 4 stars; one submission).

Allele frequency attached by ClinVar (database versions not stated): gnomAD exomes below 0.00001.
gnomAD v4.1: 1 of 1,614,090 alleles (0.000062%); highest among the groups gnomAD compares: Non-Finnish European, 0.000085%; no homozygotes.

Submission:

Labcorp Genetics (formerly Invitae), Labcorp
Classification: Uncertain significance. Last evaluated: 2022-12-18. Review status: criteria provided, single submitter. Criteria: Invitae Variant Classification Sherloc (09022015). Collection method: clinical testing. Allele origin: germline.
Comment: This sequence change replaces alanine, which is neutral and non-polar, with threonine, which is neutral and polar, at codon 752 of the KCNQ5 protein (p.Ala752Thr). This variant is not present in population databases (gnomAD no frequency). This variant has not been reported in the literature in individuals affected with KCNQ5-related conditions. Advanced modeling of protein sequence and biophysical properties (such as structural, functional, and spatial information, amino acid conservation, physicochemical variation, residue mobility, and thermodynamic stability) performed at Invitae indicates that this missense variant is not expected to disrupt KCNQ5 protein function. In summary, the available evidence is currently insufficient to determine the role of this variant in disease. Therefore, it has been classified as a Variant of Uncertain Significance.